The following is an entry in ClinVar:

ClinVar aggregate classification (germline): Uncertain significance (1 of 4 stars; one submission).

Submission:

Ambry Genetics
Classification: Uncertain significance. Last evaluated: 2025-08-15. Review status: criteria provided, single submitter. Criteria: Ambry Variant Classification Scheme 2023. Collection method: clinical testing. Allele origin: germline.
Comment: The p.E861V variant (also known as c.2582A>T), located in coding exon 13 of the GEN1 gene, results from an A to T substitution at nucleotide position 2582. The glutamic acid at codon 861 is replaced by valine, an amino acid with dissimilar properties. This amino acid position is conserved. In addition, this alteration is predicted to be tolerated by in silico analysis. Based on the available evidence, the clinical significance of this variant remains unclear.

NM_001130009.3(GEN1):c.2582A>T (p.Glu861Val)

Gene: GEN1 (GEN1 Holliday junction 5' flap endonuclease; plus strand). Cytogenetic location: 2p24.2.
Variant type: single nucleotide variant.
Coding change: c.2582A>T on transcript NM_001130009.3 (MANE Select); coding-DNA position 2582, A replaced by T.
Protein change: p.Glu861Val; replaces glutamic acid 861 with valine.
Molecular consequence: missense variant.
Genome position (GRCh38, 1-based): chr2:17,781,794, A>T. VCF-style: chr2-17781794-A-T. GRCh37 (hg19) VCF-style: chr2-17963061-A-T.
Other names: c.2582A>T, p.Glu861Val (NM_182625.5); short protein forms E861V.
Identifiers: ClinVar variation 4263079 (VCV004263079.1).
Genomic context (GRCh38, chr2:17,781,794, plus strand): 5'-GTAGCCCTAAGATACATATTAAAGAAACTGAACAGTGTGTCAGATCTTATGAAACAGCTG[A>T]AAATGAAGAAAGCTGTTTCCCAGATTCAACAAAAAGTTCTCTGAGTTCTCTACAATGTCA-3'
Protein context (NP_001123481.3, residues 851-871): EQCVRSYETA[Glu861Val]NEESCFPDST